The following is an entry in ClinVar:

NM_001042492.3(NF1):c.6971dup (p.Leu2325fs)

Gene: NF1 (neurofibromin 1; plus strand). Cytogenetic location: 17q11.2.
Variant type: Duplication.
Coding change: c.6971dup on transcript NM_001042492.3 (MANE Select); coding-DNA position 6971, one base duplicated (A; older notation c.6971dupA).
Protein change: p.Leu2325fs; shifts the reading frame from leucine 2325.
Molecular consequence: frameshift variant.
Genome position (GRCh38, 1-based): chr17:31,340,554, A duplicated. VCF-style (leftmost placement, unchanged base first): chr17-31340553-C-CA. GRCh37 (hg19) VCF-style: chr17-29667571-C-CA.
Other names: c.6908dup, p.Leu2304Alafs (NM_000267.4); short protein forms L2304fs, L2325fs.
Identifiers: ClinVar variation 3895528 (VCV003895528.1).
Genomic context (GRCh38, chr17:31,340,553, plus strand): 5'-CTTCTTTGCCAGGACTCGCCTCTGCACAAAGCCCTCTTTTGGGTAGCTGTGGCTGTGCTG[C>CA]AGCTTGATGAGGTCAACTTGTATTCAGCAGGTACCGCACTTCTTGAACAAAACCTGCATA-3'

ClinVar aggregate classification (germline): Likely pathogenic (1 of 4 stars; one submission).

Conditions:
Neurofibromatosis, type 1 (NF1). Also called: VON RECKLINGHAUSEN DISEASE; Peripheral type neurofibromatosis; Neurofibromatosis, type I; NEUROFIBROMATOSIS, TYPE I, SOMATIC. Identifiers: Orphanet 636, MedGen C0027831, MONDO:0018975, OMIM 162200. Disease mechanism: loss of function.

Submission:

Neuberg Centre For Genomic Medicine, NCGM
Classification: Likely pathogenic for Neurofibromatosis, type 1. Last evaluated: 2024-02-01. Review status: criteria provided, single submitter. Criteria: ACMG Guidelines, 2015. Collection method: clinical testing. Allele origin: germline. Inheritance: Autosomal dominant inheritance. Affected: yes.
Comment: The frameshift variant c.6971dup(p.Leu2325AlafsTer2) in NF1 gene has not been reported previously as a pathogenic variant nor as a benign variant, to our knowledge. This p.Leu2325AlafsTer2 variant is absent in gnomAD Exomes. This variant causes a frameshift starting with codon Leucine 2325, changes this amino acid to Alanine residue, and creates a premature Stop codon at position 2 of the new reading frame, denoted p.Leu2325AlafsTer2. This variant is predicted to cause a loss of normal protein function through protein truncation. Loss of function variants have been previously reported to be disease causing (J. Villa-Morales, et al 2015). For these reasons, this variant has been classified as Likely pathogenic.